The following is an entry in ClinVar:

ClinVar aggregate classification (germline): Likely benign (0 of 4 stars; one submission).

Conditions:
MRPS23-related disorder. Also called: MRPS23-related condition.

Allele frequency attached by ClinVar (database versions not stated): 1000 Genomes Project 30x 0.00016; 1000 Genomes Project 0.00020; ESP Exome Variant Server 0.00031.
gnomAD v4.1: 71 of 1,614,210 alleles (0.0044%); highest among the groups gnomAD compares: African/African-American, 0.073%; no homozygotes.

Submission:

PreventionGenetics, part of Exact Sciences
Classification: Likely benign for MRPS23-related condition. Last evaluated: 2022-04-25. Review status: no assertion criteria provided. Collection method: clinical testing. Allele origin: germline.
Comment: This variant is classified as likely benign based on ACMG/AMP sequence variant interpretation guidelines (Richards et al. 2015 PMID: 25741868, with internal and published modifications).

NM_016070.4(MRPS23):c.540T>C (p.Pro180=)

Gene: MRPS23 (mitochondrial ribosomal protein S23; minus strand). Cytogenetic location: 17q22.
Variant type: single nucleotide variant.
Coding change: c.540T>C on transcript NM_016070.4 (MANE Select); coding-DNA position 540, T replaced by C.
Protein change: p.Pro180=; no amino-acid change (proline 180 retained).
Molecular consequence: synonymous variant.
Genome position (GRCh38, 1-based): chr17:57,839,816, A>G on the plus strand (T>C on the coding strand, the complement: MRPS23 is on the minus strand). VCF-style: chr17-57839816-A-G. GRCh37 (hg19) VCF-style: chr17-55917177-A-G.
Identifiers: ClinVar variation 3030896 (VCV003030896.2), dbSNP rs149198678, ClinGen allele CA8666658.